The following is an entry in ClinVar:

NM_000138.5(FBN1):c.4488G>A (p.Thr1496=)

Gene: FBN1 (fibrillin 1; minus strand). Cytogenetic location: 15q21.1.
Variant type: single nucleotide variant.
Coding change: c.4488G>A on transcript NM_000138.5 (MANE Select); coding-DNA position 4488, G replaced by A.
Protein change: p.Thr1496=; no amino-acid change (threonine 1496 retained).
Molecular consequence: synonymous variant.
Genome position (GRCh38, 1-based): chr15:48,468,506, C>T on the plus strand (G>A on the coding strand, the complement: FBN1 is on the minus strand). VCF-style: chr15-48468506-C-T. GRCh37 (hg19) VCF-style: chr15-48760703-C-T.
Identifiers: ClinVar variation 618649 (VCV000618649.27), dbSNP rs370494288, ClinGen allele CA053179.
Genomic context (GRCh38, chr15:48,468,506, plus strand): 5'-ATCAGGTGGGCAGTCACAGATATAGCTGCCTGGAGTGTTGACACAGTTCCCACTGATGCA[C>T]GTGGTTGGATCCAGGCATTCATTCACATCTAAAACCGAACAGTGAGTAGTGGAGTTATCA-3'
Protein context (NP_000129.3, residues 1486-1506): TDVNECLDPT[Thr1496=]CISGNCVNTP

ClinVar aggregate classification (germline): Likely benign. Review status: criteria provided, multiple submitters, no conflicts (2 of 4 stars). 8 submissions from 8 submitters: Likely benign (8). Last evaluated 2025-07-08.

Conditions:
Familial thoracic aortic aneurysm and aortic dissection (TAAD). Also called: Thoracic aortic aneurysms and dissections. Identifiers: Orphanet 91387, MedGen C4707243, MONDO:0019625.
Marfan syndrome (MFS). Also called: FBN1-Related Marfan Syndrome; Marfan syndrome type 1; Marfan's syndrome; Marfan syndrome, classic; MARFAN SYNDROME, TYPE I. Identifiers: Orphanet 284963, Orphanet 558, MedGen C0024796, MONDO:0007947, OMIM 154700.

Allele frequency attached by ClinVar (database versions not stated): TOPMed 0.00004; gnomAD exomes 0.00005; gnomAD 0.00002; ExAC 0.00006; ESP Exome Variant Server 0.00008.
gnomAD v4.1: 29 of 1,613,878 alleles (0.0018%); highest among the groups gnomAD compares: Middle Eastern, 0.082%; no homozygotes.

Submissions (8):

Labcorp Genetics (formerly Invitae), Labcorp
Classification: Likely benign for Marfan syndrome; Familial thoracic aortic aneurysm and aortic dissection. Last evaluated: 2025-07-08. Review status: criteria provided, single submitter. Criteria: Invitae Variant Classification Sherloc (09022015). Collection method: clinical testing. Allele origin: germline.

Ambry Genetics
Classification: Likely benign for Familial thoracic aortic aneurysm and aortic dissection. Last evaluated: 2025-01-16. Review status: criteria provided, single submitter. Criteria: Ambry Variant Classification Scheme 2023. Collection method: clinical testing. Allele origin: germline.

All of Us Research Program, National Institutes of Health
Classification: Likely benign for Marfan syndrome. Last evaluated: 2024-05-30. Review status: criteria provided, single submitter. Criteria: ACMG Guidelines, 2015. Collection method: clinical testing. Allele origin: germline. Inheritance: Autosomal dominant inheritance. Observed: 7 variant alleles, 7 heterozygotes.
Comment: This study involves interpretation of variants in research participants for the purpose of population health screening. Participant phenotype was not available at the time of variant classification. Additional details can be found in publication PMID: 35346344, PMCID: PMC8962531

Blueprint Genetics
Classification: Likely benign. Last evaluated: 2023-06-19. Review status: criteria provided, single submitter. Criteria: ACMG Guidelines, 2015. Collection method: clinical testing. Allele origin: germline.

Women's Health and Genetics/Laboratory Corporation of America, LabCorp
Classification: Likely benign. Last evaluated: 2023-01-09. Review status: criteria provided, single submitter. Criteria: LabCorp Variant Classification Summary - May 2015. Collection method: clinical testing. Allele origin: germline.

CHEO Genetics Diagnostic Laboratory, Children's Hospital of Eastern Ontario
Classification: Likely benign for Familial thoracic aortic aneurysm and aortic dissection. Last evaluated: 2022-12-30. Review status: criteria provided, single submitter. Criteria: ACMG Guidelines, 2015. Collection method: clinical testing. Allele origin: germline.

Color Diagnostics, LLC DBA Color Health
Classification: Likely benign for Familial thoracic aortic aneurysm and aortic dissection. Last evaluated: 2019-01-27. Review status: criteria provided, single submitter. Criteria: ACMG Guidelines, 2015. Collection method: clinical testing. Allele origin: germline.

ARUP Laboratories, Molecular Genetics and Genomics, ARUP Laboratories
Classification: Likely benign. Last evaluated: 2017-11-01. Review status: criteria provided, single submitter. Criteria: ARUP Molecular Germline Variant Investigation Process. Collection method: clinical testing. Allele origin: germline.
Comment: The FBN1 c.4488G>A; p.Thr1496Thr variant is not reported in the medical literature, in gene-specific databases, or in the ClinVar database. The variant is reported in the dbSNP variant database (rs370494288) with an allele frequency of 0.0077 percent (1/12987 alleles) in the Exome Variant Server and in the Genome Aggregation Consortium with an allele frequency 0.004696 percent (13/276806 alleles). This is a silent variant, the nucleotide at the position is not well conserved across species, and computational algorithms (SpliceSiteFinder-like, MaxEntScan, NNSplice, GeneSplicer, Human Splicing Finder) predict this variant does not change splicing. Considering available information, this variant is classified as likely benign.